The following is an entry in ClinVar:

ClinVar aggregate classification (germline): Uncertain significance. Review status: criteria provided, multiple submitters, no conflicts (2 of 4 stars). 2 submissions from 2 submitters: Uncertain significance (2). Last evaluated 2024-11-12.

Conditions:
Primary ciliary dyskinesia. Also called: Ciliary dyskinesia. Identifiers: Orphanet 244, MedGen C0008780, MONDO:0016575, HP:0012265.

Allele frequency attached by ClinVar (database versions not stated): 1000 Genomes Project 30x 0.00016; ESP Exome Variant Server 0.00017; 1000 Genomes Project 0.00020; gnomAD 0.00024 and 0.00025; ExAC 0.00027; gnomAD exomes 0.00030; TOPMed 0.00031.
gnomAD v4.1: 728 of 1,606,388 alleles (0.045%); highest among the groups gnomAD compares: Non-Finnish European, 0.06%; 1 homozygote.

Submissions (2):

Labcorp Genetics (formerly Invitae), Labcorp
Classification: Uncertain significance for Primary ciliary dyskinesia. Last evaluated: 2024-11-12. Review status: criteria provided, single submitter. Criteria: Invitae Variant Classification Sherloc (09022015). Collection method: clinical testing. Allele origin: germline.
Comment: This sequence change replaces glutamic acid, which is acidic and polar, with aspartic acid, which is acidic and polar, at codon 128 of the DNAH8 protein (p.Glu128Asp). This variant is present in population databases (rs116164504, gnomAD 0.06%). This variant has not been reported in the literature in individuals affected with DNAH8-related conditions. ClinVar contains an entry for this variant (Variation ID: 407275). Experimental studies and prediction algorithms are not available or were not evaluated, and the functional significance of this variant is currently unknown. In summary, the available evidence is currently insufficient to determine the role of this variant in disease. Therefore, it has been classified as a Variant of Uncertain Significance.

Ambry Genetics
Classification: Uncertain significance. Last evaluated: 2024-10-19. Review status: criteria provided, single submitter. Criteria: Ambry Variant Classification Scheme 2023. Collection method: clinical testing. Allele origin: germline.

NM_001206927.2(DNAH8):c.384G>C (p.Glu128Asp)

Genes: DNAH8 (dynein axonemal heavy chain 8; plus strand), LOC126859667 (BRD4-independent group 4 enhancer GRCh37_chr6:38690326-38691525; plus strand). Cytogenetic location: 6p21.2.
Variant type: single nucleotide variant.
Coding change: c.384G>C on transcript NM_001206927.2 (MANE Select); coding-DNA position 384, G replaced by C.
Protein change: p.Glu128Asp; replaces glutamic acid 128 with aspartic acid.
Molecular consequence: missense variant. On other transcripts: 5 prime UTR variant (1).
Genome position (GRCh38, 1-based): chr6:38,723,193, G>C. VCF-style: chr6-38723193-G-C. GRCh37 (hg19) VCF-style: chr6-38690969-G-C.
Other names: c.-183G>C (NM_001371.4); short protein forms E128D.
Identifiers: ClinVar variation 407275 (VCV000407275.9), dbSNP rs116164504, ClinGen allele CA3787918.
Genomic context (GRCh38, chr6:38,723,193, plus strand): 5'-GTCCTCCAGATACCGCCGGAGTATGAGTGGCCTTCCCAATCTACAGGAAACATTAAAAGA[G>C]AGACAGGTTTGCTTCTAATACGATTTTTCATGTGTGCCACTTTTCCTTATCAAATACGAA-3'
Protein context (NP_001193856.1, residues 118-138): GLPNLQETLK[Glu128Asp]RQARFREARE